The following is an entry in ClinVar:

NM_001365715.1(LRCH3):c.24T>C (p.Ala8=)

Gene: LRCH3 (leucine rich repeats and calponin homology domain containing 3; plus strand). Cytogenetic location: 3q29.
Variant type: single nucleotide variant.
Coding change: c.24T>C on transcript NM_001365715.1 (MANE Select); coding-DNA position 24, T replaced by C.
Protein change: p.Ala8=; no amino-acid change (alanine 8 retained).
Molecular consequence: synonymous variant. On other transcripts: non-coding transcript variant (1).
Genome position (GRCh38, 1-based): chr3:197,791,302, T>C. VCF-style: chr3-197791302-T-C. GRCh37 (hg19) VCF-style: chr3-197518173-T-C.
Other names: c.24T>C, p.Ala8= (NM_001363887.1, NM_001365716.1, NM_001365717.1 and 3 more transcripts).
Identifiers: ClinVar variation 3035137 (VCV003035137.2), dbSNP rs143455842, ClinGen allele CA2787811.
Genomic context (GRCh38, chr3:197,791,302, plus strand): 5'-CGCTGAGCTGGCGGGCCCGAGTGTTGTCGGCTGGGAAATGGCGGCCGCGGGCTTGGTCGC[T>C]GTGGCAGCGGCTGCCGAGTACTCTGGCACGGTAGCGTCGGGAGGTAACCTCCCTGGTGTT-3'
Protein context (NP_001352644.1, residues 1-18): MAAAGLV[Ala8=]VAAAAEYSGT

ClinVar aggregate classification (germline): Likely benign (0 of 4 stars; one submission).

Conditions:
LRCH3-related disorder. Also called: LRCH3-related condition.

Allele frequency attached by ClinVar (database versions not stated): 1000 Genomes Project 30x 0.00031; 1000 Genomes Project 0.00040; ESP Exome Variant Server 0.00084; gnomAD 0.00102; ExAC 0.00104; TOPMed 0.00118; gnomAD exomes 0.00145.
gnomAD v4.1: 2,239 of 1,608,846 alleles (0.14%); highest among the groups gnomAD compares: Admixed American, 0.17%; 2 homozygotes.

Submission:

PreventionGenetics, part of Exact Sciences
Classification: Likely benign for LRCH3-related condition. Last evaluated: 2019-09-10. Review status: no assertion criteria provided. Collection method: clinical testing. Allele origin: germline.
Comment: This variant is classified as likely benign based on ACMG/AMP sequence variant interpretation guidelines (Richards et al. 2015 PMID: 25741868, with internal and published modifications).